The following is an entry in ClinVar:

NM_014855.3(AP5Z1):c.*977_*1003del

Genes: AP5Z1 (adaptor related protein complex 5 subunit zeta 1; plus strand), LOC129997864 (ATAC-STARR-seq lymphoblastoid silent region 17903; plus strand). Cytogenetic location: 7p22.1.
Variant type: Deletion.
Coding change: c.*977_*1003del on transcript NM_014855.3 (MANE Select); 977 bases downstream of the stop codon through 1003 bases downstream of the stop codon, 27 bases deleted (ACCTCCCCTCCGGCCTCGGCCCCGCCC).
Molecular consequence: 3 prime UTR variant. On other transcripts: non-coding transcript variant (1).
Genome position (GRCh38, 1-based): chr7:4,792,362-4,792,388, ACCTCCCCTCCGGCCTCGGCCCCGCCC deleted; deleting any 27 consecutive bases within chr7:4,792,352-4,792,388 gives the same sequence; the c. name uses the placement nearest the transcript's 3' end. VCF-style (leftmost placement, unchanged base first): chr7-4792351-TGGCCCCGCCCACCTCCCCTCCGGCCTC-T. GRCh37 (hg19) VCF-style: chr7-4831982-TGGCCCCGCCCACCTCCCCTCCGGCCTC-T.
Other names: c.*977_*1003del (NM_001364858.1).
Identifiers: ClinVar variation 1879685 (VCV001879685.29), dbSNP rs567846012, ClinGen allele CA153038700.

ClinVar aggregate classification (germline): Benign (1 of 4 stars; one submission).

Submission:

CeGaT Center for Human Genetics Tuebingen
Classification: Benign. Last evaluated: 2023-05-01. Review status: criteria provided, single submitter. Criteria: CeGaT Center For Human Genetics Tuebingen Variant Classification Criteria Version 2. Collection method: clinical testing. Allele origin: germline. Affected: yes. Observed: 8 variant alleles.
Comment: AP5Z1: BS1, BS2